The following is an entry in ClinVar:

ClinVar aggregate classification (germline): Likely benign. Review status: criteria provided, single submitter (1 of 4 stars). 2 submissions from 2 submitters: Likely benign (1). 1 of the submissions does not count toward it. Last evaluated 2026-01-12.

Conditions:
FGF20-related disorder. Also called: FGF20-related condition.

Allele frequency attached by ClinVar (database versions not stated): gnomAD exomes 0.00017 and 0.00030; gnomAD 0.00019 and 0.00031; TOPMed 0.00026; ExAC 0.00059; 1000 Genomes Project 30x 0.00156; 1000 Genomes Project 0.00180.

Submissions (2):

Labcorp Genetics (formerly Invitae), Labcorp
Classification: Likely benign. Last evaluated: 2026-01-12. Review status: criteria provided, single submitter. Criteria: Invitae Variant Classification Sherloc (09022015). Collection method: clinical testing. Allele origin: germline.

PreventionGenetics, part of Exact Sciences
Classification: Likely benign for FGF20-related condition. Last evaluated: 2021-05-19. Review status: no assertion criteria provided. Collection method: clinical testing. Allele origin: germline. Not counted in ClinVar's aggregate classification.
Comment: This variant is classified as likely benign based on ACMG/AMP sequence variant interpretation guidelines (Richards et al. 2015 PMID: 25741868, with internal and published modifications).

NM_019851.3(FGF20):c.235A>G (p.Ile79Val)

Gene: FGF20 (fibroblast growth factor 20; minus strand). Cytogenetic location: 8p22.
Variant type: single nucleotide variant.
Coding change: c.235A>G on transcript NM_019851.3 (MANE Select); coding-DNA position 235, A replaced by G.
Protein change: p.Ile79Val; replaces isoleucine 79 with valine.
Molecular consequence: missense variant.
Genome position (GRCh38, 1-based): chr8:17,001,798, T>C on the plus strand (A>G on the coding strand, the complement: FGF20 is on the minus strand). VCF-style: chr8-17001798-T-C. GRCh37 (hg19) VCF-style: chr8-16859307-T-C.
Other names: short protein forms I79V.
Identifiers: ClinVar variation 733416 (VCV000733416.9), dbSNP rs377326763, ClinGen allele CA4641694.